The following is an entry in ClinVar:

NM_144643.4(SCLT1):c.1284A>C (p.Glu428Asp)

Gene: SCLT1 (sodium channel and clathrin linker 1; minus strand). Cytogenetic location: 4q28.2.
Variant type: single nucleotide variant.
Coding change: c.1284A>C on transcript NM_144643.4 (MANE Select); coding-DNA position 1284, A replaced by C.
Protein change: p.Glu428Asp; replaces glutamic acid 428 with aspartic acid.
Molecular consequence: missense variant.
Genome position (GRCh38, 1-based): chr4:128,948,505, T>G on the plus strand (A>C on the coding strand, the complement: SCLT1 is on the minus strand). VCF-style: chr4-128948505-T-G. GRCh37 (hg19) VCF-style: chr4-129869660-T-G.
Other names: c.1284A>C (NM_144643.2, NM_144643.3); short protein forms E428D.
Identifiers: ClinVar variation 1430622 (VCV001430622.8), dbSNP rs776840382, ClinGen allele CA3079674.

ClinVar aggregate classification (germline): Uncertain significance. Review status: criteria provided, multiple submitters, no conflicts (2 of 4 stars). 4 submissions from 4 submitters: Uncertain significance (4). Last evaluated 2026-06-15.

Conditions:
SCLT1-related disorder. Also called: SCLT1-related condition.

Allele frequency attached by ClinVar (database versions not stated): ExAC 0.00002; gnomAD exomes 0.00003 and 0.00009; TOPMed 0.00005; gnomAD 0.00006.
gnomAD v4.1: 146 of 1,607,954 alleles (0.0091%); highest among the groups gnomAD compares: Non-Finnish European, 0.012%; no homozygotes.

Submissions (4):

PreventionGenetics, part of Exact Sciences
Classification: Uncertain significance for SCLT1-related condition. Last evaluated: 2026-06-15. Review status: criteria provided, single submitter. Criteria: ACMG Guidelines, 2015. Collection method: clinical testing. Allele origin: germline.
Comment: The SCLT1 c.1284A>C variant is predicted to result in the amino acid substitution p.Glu428Asp. To our knowledge, this variant has not been reported in the literature. This variant is reported in 0.0070% of alleles in individuals of European (Non-Finnish) descent in gnomAD. At this time, the clinical significance of this variant is uncertain due to the absence of conclusive functional and genetic evidence.

Ambry Genetics
Classification: Uncertain significance. Last evaluated: 2024-11-14. Review status: criteria provided, single submitter. Criteria: Ambry Variant Classification Scheme 2023. Collection method: clinical testing. Allele origin: germline.

Blueprint Genetics
Classification: Uncertain significance. Last evaluated: 2023-12-21. Review status: criteria provided, single submitter. Criteria: ACMG Guidelines, 2015. Collection method: clinical testing. Allele origin: germline.

Labcorp Genetics (formerly Invitae), Labcorp
Classification: Uncertain significance. Last evaluated: 2022-04-04. Review status: criteria provided, single submitter. Criteria: Invitae Variant Classification Sherloc (09022015). Collection method: clinical testing. Allele origin: germline.
Comment: This sequence change replaces glutamic acid, which is acidic and polar, with aspartic acid, which is acidic and polar, at codon 428 of the SCLT1 protein (p.Glu428Asp). This variant is present in population databases (rs776840382, gnomAD 0.006%). This variant has not been reported in the literature in individuals affected with SCLT1-related conditions. Algorithms developed to predict the effect of missense changes on protein structure and function (SIFT, PolyPhen-2, Align-GVGD) all suggest that this variant is likely to be disruptive. In summary, the available evidence is currently insufficient to determine the role of this variant in disease. Therefore, it has been classified as a Variant of Uncertain Significance.